The following is an entry in ClinVar:

NM_004484.4(GPC3):c.1724T>G (p.Phe575Cys)

Gene: GPC3 (glypican 3; minus strand). Cytogenetic location: Xq26.2.
Variant type: single nucleotide variant.
Coding change: c.1724T>G on transcript NM_004484.4 (MANE Select); coding-DNA position 1724, T replaced by G.
Protein change: p.Phe575Cys; replaces phenylalanine 575 with cysteine.
Molecular consequence: missense variant.
Genome position (GRCh38, 1-based): chrX:133,536,143, A>C on the plus strand (T>G on the coding strand, the complement: GPC3 is on the minus strand). VCF-style: chrX-133536143-A-C. GRCh37 (hg19) VCF-style: chrX-132670171-A-C.
Other names: c.1793T>G, p.Phe598Cys (NM_001164617.2); c.1676T>G, p.Phe559Cys (NM_001164618.2); c.1562T>G, p.Phe521Cys (NM_001164619.2); short protein forms F575C, F521C, F559C, F598C.
Identifiers: ClinVar variation 572758 (VCV000572758.13), dbSNP rs981077333, ClinGen allele CA335966666.
Genomic context (GRCh38, chrX:133,536,143, plus strand): 5'-CAGGGTGCTGTAGGGCAGCACATGTGCTGGGCACCAGGCAGTCAGTGCACCAGGAAGAAG[A>C]AGCACACCACCGAGATGGCCATGCTGGTGAGAAGCTTCAGCGGGGAATGAACGTTCCCGA-3'
Protein context (NP_004475.1, residues 565-580): LTSMAISVVC[Phe575Cys]FFLVH

ClinVar aggregate classification (germline): Conflicting classifications of pathogenicity. Review status: criteria provided, conflicting classifications (1 of 4 stars). 2 submissions from 2 submitters: Uncertain significance (1); Likely benign (1). Last evaluated 2023-08-05.

Conditions:
Wilms tumor 1 (WT1). Also called: Wilms tumor, somatic. Identifiers: Orphanet 654, MedGen CN033288, MONDO:0008679, OMIM 194070.

Allele frequency attached by ClinVar (database versions not stated): gnomAD exomes below 0.00001.
gnomAD v4.1: 2 of 1,206,854 alleles (0.00017%); highest among the groups gnomAD compares: Non-Finnish European, 0.00022%; no homozygotes.

Submissions (2):

Labcorp Genetics (formerly Invitae), Labcorp
Classification: Likely benign for Wilms tumor 1. Last evaluated: 2023-08-05. Review status: criteria provided, single submitter. Criteria: Invitae Variant Classification Sherloc (09022015). Collection method: clinical testing. Allele origin: germline.

GeneDx
Classification: Uncertain significance. Last evaluated: 2019-11-11. Review status: criteria provided, single submitter. Criteria: GeneDx Variant Classification Process June 2021. Collection method: clinical testing. Allele origin: germline. Affected: yes.
Comment: Not observed in large population cohorts (Lek et al., 2016); In silico analysis, which includes protein predictors and evolutionary conservation, supports that this variant does not alter protein structure/function; Has not been previously published as pathogenic or benign to our knowledge